The following is an entry in ClinVar:

NM_001283009.2(RTEL1):c.490C>T (p.Arg164Cys)

Genes: RTEL1-TNFRSF6B (RTEL1-TNFRSF6B readthrough (NMD candidate); plus strand), RTEL1 (regulator of telomere elongation helicase 1; plus strand). Cytogenetic location: 20q13.33.
Variant type: single nucleotide variant.
Coding change: c.490C>T on transcript NM_001283009.2 (MANE Select); coding-DNA position 490, C replaced by T.
Protein change: p.Arg164Cys; replaces arginine 164 with cysteine.
Molecular consequence: missense variant. On other transcripts: non-coding transcript variant (1), 5 prime UTR variant (1).
Genome position (GRCh38, 1-based): chr20:63,662,841, C>T. VCF-style: chr20-63662841-C-T. GRCh37 (hg19) VCF-style: chr20-62294194-C-T.
Other names: p.Arg188Cys; c.-180C>T (NM_001283010.1); c.490C>T, p.Arg164Cys (NM_016434.4); c.562C>T, p.Arg188Cys (NM_032957.5); c.562C>T (NM_032957.4); short protein forms R164C, R188C.
Identifiers: ClinVar variation 1692634 (VCV001692634.8), dbSNP rs752046445, ClinGen allele CA9964301.

ClinVar aggregate classification (germline): Uncertain significance. Review status: criteria provided, multiple submitters, no conflicts (2 of 4 stars). 4 submissions from 4 submitters: Uncertain significance (4). Last evaluated 2025-07-27.

Conditions:
Inborn genetic diseases. Identifiers: MedGen C0950123, MeSH D030342.
Pulmonary fibrosis and/or bone marrow failure, Telomere-related, 3. Also called: PULMONARY FIBROSIS AND/OR BONE MARROW FAILURE SYNDROME, TELOMERE-RELATED, 3. Identifiers: Orphanet 2032, MedGen C4225346, MONDO:0014613, OMIM 616373.
Dyskeratosis congenita, autosomal recessive 5 (DKCB5). Identifiers: MedGen C3554656, MONDO:0014076, OMIM 615190.
Dyskeratosis congenita. Identifiers: Orphanet 1775, MedGen C0265965, MONDO:0015780.

Allele frequency attached by ClinVar (database versions not stated): ExAC 0.00001; gnomAD exomes 0.00001 and 0.00002; gnomAD 0.00002 and 0.00003; TOPMed 0.00003.
gnomAD v4.1: 19 of 1,613,824 alleles (0.0012%); highest among the groups gnomAD compares: South Asian, 0.0044%; no homozygotes.

Submissions (4):

Labcorp Genetics (formerly Invitae), Labcorp
Classification: Uncertain significance for Dyskeratosis congenita, autosomal recessive 5; Pulmonary fibrosis and/or bone marrow failure, Telomere-related, 3. Last evaluated: 2025-07-27. Review status: criteria provided, single submitter. Criteria: Invitae Variant Classification Sherloc (09022015). Collection method: clinical testing. Allele origin: germline.
Comment: This sequence change replaces arginine, which is basic and polar, with cysteine, which is neutral and slightly polar, at codon 164 of the RTEL1 protein (p.Arg164Cys). This variant is present in population databases (rs752046445, gnomAD 0.009%). This variant has not been reported in the literature in individuals affected with RTEL1-related conditions. ClinVar contains an entry for this variant (Variation ID: 1692634). An algorithm developed to predict the effect of missense changes on protein structure and function (PolyPhen-2) suggests that this variant is likely to be disruptive. In summary, the available evidence is currently insufficient to determine the role of this variant in disease. Therefore, it has been classified as a Variant of Uncertain Significance.

Mayo Clinic Laboratories, Mayo Clinic
Classification: Uncertain significance. Last evaluated: 2025-01-10. Review status: criteria provided, single submitter. Criteria: ACMG Guidelines, 2015. Collection method: clinical testing. Allele origin: germline. Observed: 1 variant allele.
Comment: PM2_supporting

Sema4
Classification: Uncertain significance for Dyskeratosis congenita. Last evaluated: 2022-03-09. Review status: criteria provided, single submitter. Criteria: Sema4 Curation Guidelines. Collection method: curation. Allele origin: germline.
Comment: The RTEL1 c.490C>T (p.R164C) variant has not been reported in the literature to our knowledge. It was observed in 2/21638 chromosomes of the European Finnish subpopulation, with no homozygotes, in the large and broad cohorts of the Genome Aggregation Database (PMID: 32461654). This variant has not been reported in ClinVar. Functional studies have not been performed, and in silico predictions of the variant's effect on protein function are inconclusive. The evidence is insufficient to meet ACMG/AMP criteria for classifying the variant as benign or pathogenic. Thus, the clinical significance of this variant is currently uncertain.

Ambry Genetics
Classification: Uncertain significance for Inborn genetic diseases. Last evaluated: 2021-12-13. Review status: criteria provided, single submitter. Criteria: Ambry Variant Classification Scheme 2023. Collection method: clinical testing. Allele origin: germline.

Literature cited by the submitters: PubMed 30303537 (cited by Mayo Clinic Laboratories, Mayo Clinic).